The following is an entry in ClinVar:

NM_005754.3(G3BP1):c.28C>A (p.Leu10Met)

Gene: G3BP1 (G3BP stress granule assembly factor 1; plus strand). Cytogenetic location: 5q33.1.
Variant type: single nucleotide variant.
Coding change: c.28C>A on transcript NM_005754.3 (MANE Select); coding-DNA position 28, C replaced by A.
Protein change: p.Leu10Met; replaces leucine 10 with methionine.
Molecular consequence: missense variant.
Genome position (GRCh38, 1-based): chr5:151,786,648, C>A. VCF-style: chr5-151786648-C-A. GRCh37 (hg19) VCF-style: chr5-151166209-C-A.
Other names: c.28C>A, p.Leu10Met (NM_198395.2); short protein forms L10M.
Identifiers: ClinVar variation 5017749 (VCV005017749.1).

ClinVar aggregate classification (germline): Uncertain significance (1 of 4 stars; one submission).

Submission:

GeneDx
Classification: Uncertain significance. Last evaluated: 2026-03-31. Review status: criteria provided, single submitter. Criteria: GeneDx Variant Classification Process June 2021. Collection method: clinical testing. Allele origin: germline.
Comment: Not observed at significant frequency in large population cohorts (gnomAD); In silico analysis suggests that this missense variant does not alter protein structure/function; Has not been previously published as pathogenic or benign to our knowledge